The following is an entry in ClinVar:

NM_001605.3(AARS1):c.853G>T (p.Ala285Ser)

Gene: AARS1 (alanyl-tRNA synthetase 1; minus strand). Cytogenetic location: 16q22.1.
Variant type: single nucleotide variant.
Coding change: c.853G>T on transcript NM_001605.3 (MANE Select); coding-DNA position 853, G replaced by T.
Protein change: p.Ala285Ser; replaces alanine 285 with serine.
Molecular consequence: missense variant.
Genome position (GRCh38, 1-based): chr16:70,269,727, C>A on the plus strand (G>T on the coding strand, the complement: AARS1 is on the minus strand). VCF-style: chr16-70269727-C-A. GRCh37 (hg19) VCF-style: chr16-70303630-C-A.
Other names: short protein forms A285S.
Identifiers: ClinVar variation 1682273 (VCV001682273.8), dbSNP rs2152161765, ClinGen allele CA396564825.

ClinVar aggregate classification (germline): Uncertain significance (1 of 4 stars; one submission).

Conditions:
Charcot-Marie-Tooth disease type 2. Also called: Charcot-Marie-Tooth type 2. Identifiers: Orphanet 64746, MedGen C0270914, MONDO:0018993.

Submission:

Labcorp Genetics (formerly Invitae), Labcorp
Classification: Uncertain significance for Charcot-Marie-Tooth disease type 2. Last evaluated: 2020-11-17. Review status: criteria provided, single submitter. Criteria: Invitae Variant Classification Sherloc (09022015). Collection method: clinical testing. Allele origin: germline.
Comment: Algorithms developed to predict the effect of missense changes on protein structure and function are either unavailable or do not agree on the potential impact of this missense change (SIFT: "Tolerated"; PolyPhen-2: "Possibly Damaging"; Align-GVGD: "Class C0"). In summary, the available evidence is currently insufficient to determine the role of this variant in disease. Therefore, it has been classified as a Variant of Uncertain Significance. This variant has not been reported in the literature in individuals with AARS-related conditions. This sequence change replaces alanine with serine at codon 285 of the AARS protein (p.Ala285Ser). The alanine residue is moderately conserved and there is a moderate physicochemical difference between alanine and serine. This variant is not present in population databases (ExAC no frequency).